The following is an entry in ClinVar:

NM_016529.6(ATP8A2):c.2360C>T (p.Ser787Leu)

Gene: ATP8A2 (ATPase phospholipid transporting 8A2). Cytogenetic location: 13q12.13.
Variant type: single nucleotide variant.
Coding change: c.2360C>T on transcript NM_016529.6 (MANE Select); coding-DNA position 2360, C replaced by T.
Protein change: p.Ser787Leu; replaces serine 787 with leucine.
Molecular consequence: missense variant.
Genome position (GRCh38, 1-based): chr13:25,699,321, C>T. VCF-style: chr13-25699321-C-T. GRCh37 (hg19) VCF-style: chr13-26273459-C-T.
Other names: c.2240C>T, p.Ser747Leu (NM_001313741.1); c.2360C>T, p.Ser787Leu (NM_001411005.1, NM_001411006.1); short protein forms S747L, S787L.
Identifiers: ClinVar variation 2100332 (VCV002100332.4), dbSNP rs747390022, ClinGen allele CA6923290.

ClinVar aggregate classification (germline): Uncertain significance (1 of 4 stars; one submission).

Allele frequency attached by ClinVar (database versions not stated): ExAC 0.00001.
gnomAD v4.1: 11 of 1,613,102 alleles (0.00068%); highest among the groups gnomAD compares: Admixed American, 0.005%; no homozygotes.

Submission:

Labcorp Genetics (formerly Invitae), Labcorp
Classification: Uncertain significance. Last evaluated: 2023-05-09. Review status: criteria provided, single submitter. Criteria: Invitae Variant Classification Sherloc (09022015). Collection method: clinical testing. Allele origin: germline.
Comment: In summary, the available evidence is currently insufficient to determine the role of this variant in disease. Therefore, it has been classified as a Variant of Uncertain Significance. Advanced modeling of protein sequence and biophysical properties (such as structural, functional, and spatial information, amino acid conservation, physicochemical variation, residue mobility, and thermodynamic stability) performed at Invitae indicates that this missense variant is not expected to disrupt ATP8A2 protein function. ClinVar contains an entry for this variant (Variation ID: 2100332). This variant has not been reported in the literature in individuals affected with ATP8A2-related conditions. This variant is present in population databases (rs747390022, gnomAD 0.009%). This sequence change replaces serine, which is neutral and polar, with leucine, which is neutral and non-polar, at codon 787 of the ATP8A2 protein (p.Ser787Leu).